The following is an entry in ClinVar:

ClinVar aggregate classification (germline): Uncertain significance (1 of 4 stars; one submission).

Conditions:
Intellectual developmental disorder, X-linked 104. Also called: Intellectual disability, X-linked 104. Identifiers: MedGen C4310817, MONDO:0010509, OMIM 300983.

gnomAD v4.1: 1 of 1,209,189 alleles (0.000083%); no homozygotes.

Submission:

Laboratorio de Genetica e Diagnostico Molecular, Hospital Israelita Albert Einstein
Classification: Uncertain significance for Intellectual developmental disorder, X-linked 104. Last evaluated: 2025-05-27. Review status: criteria provided, single submitter. Criteria: ACMG Guidelines, 2015. Collection method: clinical testing. Allele origin: germline. Affected: yes.
Comment: ACMG classification criteria: PM2 supporting

NM_001368397.1(FRMPD4):c.3905C>T (p.Pro1302Leu)

Gene: FRMPD4 (FERM and PDZ domain containing 4; plus strand). Cytogenetic location: Xp22.2.
Variant type: single nucleotide variant.
Coding change: c.3905C>T on transcript NM_001368397.1 (MANE Select); coding-DNA position 3905, C replaced by T.
Protein change: p.Pro1302Leu; replaces proline 1302 with leucine.
Molecular consequence: missense variant.
Genome position (GRCh38, 1-based): chrX:12,718,731, C>T. VCF-style: chrX-12718731-C-T. GRCh37 (hg19) VCF-style: chrX-12736850-C-T.
Other names: c.4016C>T, p.Pro1339Leu (NM_001368395.3, NM_001368398.3); c.3911C>T, p.Pro1304Leu (NM_001368396.3); c.3896C>T, p.Pro1299Leu (NM_001368399.3); c.3785C>T, p.Pro1262Leu (NM_001368400.3); c.3881C>T, p.Pro1294Leu (NM_001368401.1, NM_001368402.3); c.3905C>T, p.Pro1302Leu (NM_014728.3); short protein forms P1262L, P1294L, P1299L, P1302L, P1304L, P1339L.
Identifiers: ClinVar variation 3902025 (VCV003902025.1).